The following is an entry in ClinVar:

NM_001365951.3(KIF1B):c.4969G>T (p.Ala1657Ser)

Gene: KIF1B (kinesin family member 1B; plus strand). Cytogenetic location: 1p36.22.
Variant type: single nucleotide variant.
Coding change: c.4969G>T on transcript NM_001365951.3 (MANE Select); coding-DNA position 4969, G replaced by T.
Protein change: p.Ala1657Ser; replaces alanine 1657 with serine.
Molecular consequence: missense variant.
Genome position (GRCh38, 1-based): chr1:10,374,338, G>T. VCF-style: chr1-10374338-G-T. GRCh37 (hg19) VCF-style: chr1-10434396-G-T.
Other names: c.4969G>T, p.Ala1657Ser (NM_001365952.1); c.4831G>T, p.Ala1611Ser (NM_015074.3); short protein forms A1611S, A1657S.
Identifiers: ClinVar variation 1743440 (VCV001743440.3), dbSNP rs886504706, ClinGen allele CA338328665.

ClinVar aggregate classification (germline): Uncertain significance (1 of 4 stars; one submission).

Submission:

Ambry Genetics
Classification: Uncertain significance. Last evaluated: 2024-04-24. Review status: criteria provided, single submitter. Criteria: Ambry Variant Classification Scheme 2023. Collection method: clinical testing. Allele origin: germline.
Comment: The p.A1611S variant (also known as c.4831G>T), located in coding exon 43 of the KIF1B gene, results from a G to T substitution at nucleotide position 4831. The alanine at codon 1611 is replaced by serine, an amino acid with similar properties. This amino acid position is highly conserved in available vertebrate species. In addition, this alteration is predicted to be tolerated by in silico analysis. Since supporting evidence is limited at this time, the clinical significance of this alteration remains unclear.